The following is an entry in ClinVar:

ClinVar aggregate classification (germline): Likely benign (1 of 4 stars; one submission).

Allele frequency attached by ClinVar (database versions not stated): gnomAD exomes below 0.00001 and 0.00001; TOPMed 0.00001; gnomAD 0.00002.
gnomAD v4.1: 11 of 1,614,006 alleles (0.00068%); highest among the groups gnomAD compares: Non-Finnish European, 0.00093%; no homozygotes.

Submission:

GeneDx
Classification: Likely benign. Last evaluated: 2016-08-03. Review status: criteria provided, single submitter. Criteria: GeneDx Variant Classification (06012015). Collection method: clinical testing. Allele origin: germline. Affected: yes.
Comment: This variant is considered likely benign or benign based on one or more of the following criteria: it is a conservative change, it occurs at a poorly conserved position in the protein, it is predicted to be benign by multiple in silico algorithms, and/or has population frequency not consistent with disease.

NM_024740.2(ALG9):c.1365A>C (p.Arg455=)

Gene: ALG9 (ALG9 alpha-1,2-mannosyltransferase; minus strand). Cytogenetic location: 11q23.1.
Variant type: single nucleotide variant.
Coding change: c.1365A>C on transcript NM_024740.2 (MANE Select); coding-DNA position 1365, A replaced by C.
Protein change: p.Arg455=; no amino-acid change (arginine 455 retained).
Molecular consequence: synonymous variant. On other transcripts: non-coding transcript variant (1).
Genome position (GRCh38, 1-based): chr11:111,837,575, T>G on the plus strand (A>C on the coding strand, the complement: ALG9 is on the minus strand). VCF-style: chr11-111837575-T-G. GRCh37 (hg19) VCF-style: chr11-111708298-T-G.
Other names: c.1344A>C, p.Arg448= (NM_001077690.1, NM_001352417.1); c.852A>C, p.Arg284= (NM_001077691.2, NM_001352413.1, NM_001352414.2 and 1 more transcripts); c.831A>C, p.Arg277= (NM_001077692.2, NM_001352409.1, NM_001352410.1 and 6 more transcripts); c.1221A>C, p.Arg407= (NM_001352418.1); c.756A>C, p.Arg252= (NM_001352422.2); c.708A>C, p.Arg236= (NM_001352423.2).
Identifiers: ClinVar variation 387910 (VCV000387910.1), dbSNP rs1057522937, ClinGen allele CA16605853.
Genomic context (GRCh38, chr11:111,837,575, plus strand): 5'-CACACAGACATTCACAGGTCTGCCTTCTGGGACAGTGTGGATGGTTGGGTCTGTAGCAAT[T>G]CGGTAAAATTCTGGATACAAATCAAGGGGCCCGTGATATCCTGGAAGGGAGAACAGTTAG-3'
Protein context (NP_079016.2, residues 445-465): GPLDLYPEFY[Arg455=]IATDPTIHTV